The following is an entry in ClinVar:

ClinVar aggregate classification (germline): Pathogenic/Likely pathogenic. Review status: criteria provided, multiple submitters, no conflicts (2 of 4 stars). 4 submissions from 4 submitters: Pathogenic (1); Likely pathogenic (3). Last evaluated 2023-11-09.

Conditions:
Lynch syndrome 5 (LYNCH5). Also called: Hereditary non-polyposis colorectal cancer, type 5; Colorectal cancer, hereditary nonpolyposis, type 5. Identifiers: Orphanet 144, MedGen C1833477, MONDO:0013710, OMIM 614350. Disease mechanism: loss of function.
Endometrial carcinoma. Also called: Endometrial carcinoma, somatic. Identifiers: MedGen C0476089, MONDO:0002447, OMIM 608089, HP:0012114.
Lynch syndrome. Identifiers: Orphanet 144, MedGen C4552100, MONDO:0005835. Disease mechanism: loss of function.

Submissions (4):

Quest Diagnostics Nichols Institute San Juan Capistrano
Classification: Likely pathogenic. Last evaluated: 2023-11-09. Review status: criteria provided, single submitter. Criteria: Quest Diagnostics criteria. Collection method: clinical testing. Allele origin: unknown.
Comment: The MSH6 c.1933del (p.Glu645Lysfs*3) variant alters the translational reading frame of the MSH6 mRNA and is predicted to cause the premature termination of MSH6 protein synthesis. This variant has not been reported in individuals with MSH6-related conditions in the published literature. This variant has not been reported in large, multi-ethnic general populations (Genome Aggregation Database). Based on the available information, this variant is classified as likely pathogenic.

Baylor Genetics
Classification: Likely pathogenic for Endometrial carcinoma. Last evaluated: 2023-11-07. Review status: criteria provided, single submitter. Criteria: ACMG Guidelines, 2015. Collection method: clinical testing. Allele origin: unknown.

Myriad Genetics, Inc.
Classification: Pathogenic for Lynch syndrome 5. Last evaluated: 2023-08-16. Review status: criteria provided, single submitter. Criteria: Myriad Autosomal Dominant, Autosomal Recessive and X-Linked Classification Criteria (2023). Collection method: clinical testing. Allele origin: unknown.
Comment: This variant is considered pathogenic. This variant creates a frameshift predicted to result in premature protein truncation.

Women's Health and Genetics/Laboratory Corporation of America, LabCorp
Classification: Likely pathogenic for Lynch syndrome. Last evaluated: 2018-03-14. Review status: criteria provided, single submitter. Criteria: LabCorp Variant Classification Summary - May 2015. Collection method: clinical testing. Allele origin: germline.
Comment: Variant summary: MSH6 c.1933delG (p.Glu645LysfsX3) results in a premature termination codon, predicted to cause a truncation of the encoded protein or absence of the protein due to nonsense mediated decay, which are commonly known mechanisms for disease. Truncations downstream of this position have been classified as pathogenic by our laboratory (eg. c.2150_2153delTCAG (p.Val717fsX18), c.2230dupG (p.Glu744fsX12), and c.2731C>T (p.Arg911X)). The variant was absent in 245904 control chromosomes (gnomAD). To our knowledge, no occurrence of c.1933delG in individuals affected with Lynch Syndrome and no experimental evidence demonstrating its impact on protein function have been reported. No clinical diagnostic laboratories have submitted clinical-significance assessments for this variant to ClinVar after 2014. Based on the evidence outlined above, the variant was classified as likely pathogenic.

NM_000179.3(MSH6):c.1933del (p.Glu645fs)

Gene: MSH6 (mutS homolog 6; plus strand). Cytogenetic location: 2p16.3.
Variant type: Deletion.
Coding change: c.1933del on transcript NM_000179.3 (MANE Select); coding-DNA position 1933, one base deleted (G; older notation c.1933delG).
Protein change: p.Glu645fs; shifts the reading frame from glutamic acid 645.
Molecular consequence: frameshift variant.
Genome position (GRCh38, 1-based): chr2:47,799,916, G deleted; the last of 3 consecutive G bases (chr2:47,799,914-47,799,916); deleting any one gives the same sequence. VCF-style (leftmost placement, unchanged base first): chr2-47799913-AG-A. GRCh37 (hg19) VCF-style: chr2-48027052-AG-A.
Other names: c.1543del, p.Glu515fs (NM_001281492.2); c.1027del, p.Glu343fs (NM_001281493.2, NM_001281494.2); c.1933delG (NM_000179.2); c.1933del (NM_000179.2); short protein forms E515fs, E343fs, E645fs.
Identifiers: ClinVar variation 633316 (VCV000633316.4), dbSNP rs1558663559, ClinGen allele CA913190109.